The following is an entry in ClinVar:

NM_001148.6(ANK2):c.1696C>G (p.Pro566Ala)

Gene: ANK2 (ankyrin 2; plus strand). Cytogenetic location: 4q26.
Variant type: single nucleotide variant.
Coding change: c.1696C>G on transcript NM_001148.6 (MANE Select); coding-DNA position 1696, C replaced by G.
Protein change: p.Pro566Ala; replaces proline 566 with alanine.
Molecular consequence: missense variant.
Genome position (GRCh38, 1-based): chr4:113,277,849, C>G. VCF-style: chr4-113277849-C-G. GRCh37 (hg19) VCF-style: chr4-114199005-C-G.
Other names: c.1633C>G, p.Pro545Ala (NM_001127493.3, NM_001354239.2, NM_001354243.2 and 14 more transcripts); c.1696C>G, p.Pro566Ala (NM_001354225.2, NM_001354228.2, NM_001354232.2 and 8 more transcripts); c.1741C>G, p.Pro581Ala (NM_001354230.2, NM_001354231.2, NM_001354237.2 and 5 more transcripts); c.1609C>G, p.Pro537Ala (NM_001354249.2, NM_001354260.2, NM_001354264.2 and 13 more transcripts); c.1654C>G, p.Pro552Ala (NM_001354261.2, NM_001386147.1, NM_001386160.1); c.1486C>G, p.Pro496Ala (NM_001354269.3); c.1498C>G, p.Pro500Ala (NM_001354273.2); c.1411C>G, p.Pro471Ala (NM_001354277.2, NM_001386157.1, NM_001386158.1); and 4 more; short protein forms P471A, P496A, P500A, P537A, P545A, P552A, P554A, P562A.
Identifiers: ClinVar variation 4811723 (VCV004811723.1).

ClinVar aggregate classification (germline): Uncertain significance (1 of 4 stars; one submission).

Conditions:
Long QT syndrome (LQTS). Identifiers: MedGen C0023976, MeSH D008133, MONDO:0002442. Disease mechanism: loss of function. Inheritance: Various modes of inheritance.

gnomAD v4.1: 1 of 1,613,238 alleles (0.000062%); highest among the groups gnomAD compares: Non-Finnish European, 0.000085%; no homozygotes.

Submission:

Labcorp Genetics (formerly Invitae), Labcorp
Classification: Uncertain significance for Long QT syndrome. Last evaluated: 2025-06-25. Review status: criteria provided, single submitter. Criteria: Invitae Variant Classification Sherloc (09022015). Collection method: clinical testing. Allele origin: germline.
Comment: This sequence change replaces proline, which is neutral and non-polar, with alanine, which is neutral and non-polar, at codon 566 of the ANK2 protein (p.Pro566Ala). This variant is not present in population databases (gnomAD no frequency). This variant has not been reported in the literature in individuals affected with ANK2-related conditions. Invitae Evidence Modeling of protein sequence and biophysical properties (such as structural, functional, and spatial information, amino acid conservation, physicochemical variation, residue mobility, and thermodynamic stability) indicates that this missense variant is not expected to disrupt ANK2 protein function with a negative predictive value of 80%. In summary, the available evidence is currently insufficient to determine the role of this variant in disease. Therefore, it has been classified as a Variant of Uncertain Significance.